The following is an entry in ClinVar:

ClinVar aggregate classification (germline): Uncertain significance. Review status: criteria provided, multiple submitters, no conflicts (2 of 4 stars). 2 submissions from 2 submitters: Uncertain significance (2). Last evaluated 2023-12-18.

Conditions:
Muscular dystrophy-dystroglycanopathy (congenital with brain and eye anomalies), type a, 11 (MDDGA11). Also called: WALKER-WARBURG SYNDROME OR MUSCLE-EYE-BRAIN DISEASE, B3GALNT2-RELATED; Congenital muscular dystrophy-dystroglycanopathy with brain and eye anomalies, type A11; Muscular dystrophy-dystroglycanopathy (congenital with brain and eye anomalies, type A, 11. Identifiers: Orphanet 588, Orphanet 899, MedGen C3554638, MONDO:0014071, OMIM 615181.
Inborn genetic diseases. Identifiers: MedGen C0950123, MeSH D030342.

Allele frequency attached by ClinVar (database versions not stated): gnomAD exomes 0.00001; gnomAD 0.00004; TOPMed 0.00005; 1000 Genomes Project 30x 0.00016.
gnomAD v4.1: 53 of 1,474,644 alleles (0.0036%); highest among the groups gnomAD compares: Admixed American, 0.0046%; no homozygotes.

Submissions (2):

Ambry Genetics
Classification: Uncertain significance for Inborn genetic diseases. Last evaluated: 2023-12-18. Review status: criteria provided, single submitter. Criteria: Ambry Variant Classification Scheme 2023. Collection method: clinical testing. Allele origin: germline.

Labcorp Genetics (formerly Invitae), Labcorp
Classification: Uncertain significance for Muscular dystrophy-dystroglycanopathy (congenital with brain and eye anomalies), type a, 11. Last evaluated: 2022-07-21. Review status: criteria provided, single submitter. Criteria: Invitae Variant Classification Sherloc (09022015). Collection method: clinical testing. Allele origin: germline.
Comment: This sequence change replaces proline, which is neutral and non-polar, with arginine, which is basic and polar, at codon 10 of the B3GALNT2 protein (p.Pro10Arg). This variant is present in population databases (no rsID available, gnomAD 0.01%). This variant has not been reported in the literature in individuals affected with B3GALNT2-related conditions. ClinVar contains an entry for this variant (Variation ID: 577455). Algorithms developed to predict the effect of missense changes on protein structure and function are either unavailable or do not agree on the potential impact of this missense change (SIFT: "Tolerated"; PolyPhen-2: "Probably Damaging"; Align-GVGD: "Class C0"). Algorithms developed to predict the effect of sequence changes on RNA splicing suggest that this variant may create or strengthen a splice site. In summary, the available evidence is currently insufficient to determine the role of this variant in disease. Therefore, it has been classified as a Variant of Uncertain Significance.

NM_152490.5(B3GALNT2):c.29C>G (p.Pro10Arg)

Gene: B3GALNT2 (beta-1,3-N-acetylgalactosaminyltransferase 2; minus strand). Cytogenetic location: 1q42.3.
Variant type: single nucleotide variant.
Coding change: c.29C>G on transcript NM_152490.5 (MANE Select); coding-DNA position 29, C replaced by G.
Protein change: p.Pro10Arg; replaces proline 10 with arginine.
Molecular consequence: missense variant.
Genome position (GRCh38, 1-based): chr1:235,504,224, G>C on the plus strand (C>G on the coding strand, the complement: B3GALNT2 is on the minus strand). VCF-style: chr1-235504224-G-C. GRCh37 (hg19) VCF-style: chr1-235667524-G-C.
Other names: c.29C>G, p.Pro10Arg (NM_001277155.3); c.29C>G (NM_152490.2); short protein forms P10R.
Identifiers: ClinVar variation 577455 (VCV000577455.6), dbSNP rs1335073175, ClinGen allele CA344937512.
Genomic context (GRCh38, chr1:235,504,224, plus strand): 5'-CAGGCGGGCGGCGGGGAGCGCAGCCGCAGCCAGAGGTGCAGCGCGGCCCCGAGCACACAC[G>C]GGCACAGCAGCACCAGCCAGTTTCGCATTGGCCGCCCCCGCCGCGAGCCGGGCTCTCCCG-3'
Protein context (NP_689703.1, residues 1-20): MRNWLVLLC[Pro10Arg]CVLGAALHLW